The following is an entry in ClinVar:

ClinVar aggregate classification (germline): Uncertain significance (1 of 4 stars; one submission).

Submission:

Labcorp Genetics (formerly Invitae), Labcorp
Classification: Uncertain significance. Last evaluated: 2023-11-25. Review status: criteria provided, single submitter. Criteria: Invitae Variant Classification Sherloc (09022015). Collection method: clinical testing. Allele origin: germline.
Comment: This sequence change replaces glycine, which is neutral and non-polar, with phenylalanine, which is neutral and non-polar, at codon 701 of the KIF23 protein (p.Gly701Phe). This variant is present in population databases (no rsID available, gnomAD 0.002%). This variant has not been reported in the literature in individuals affected with KIF23-related conditions. An algorithm developed to predict the effect of missense changes on protein structure and function (PolyPhen-2) suggests that this variant is likely to be disruptive. In summary, the available evidence is currently insufficient to determine the role of this variant in disease. Therefore, it has been classified as a Variant of Uncertain Significance.

NM_001367805.3(KIF23):c.2143_2144delinsTT (p.Gly715Phe)

Gene: KIF23 (kinesin family member 23; plus strand). Cytogenetic location: 15q23.
Variant type: Indel.
Coding change: c.2143_2144delinsTT on transcript NM_001367805.3 (MANE Select); coding-DNA positions 2143 to 2144, GG replaced by TT.
Protein change: p.Gly715Phe; replaces glycine 715 with phenylalanine.
Molecular consequence: missense variant. On other transcripts: non-coding transcript variant (1), intron variant (1).
Genome position (GRCh38, 1-based): chr15:69,440,801-69,440,802, GG replaced by TT. VCF-style: chr15-69440801-GG-TT. GRCh37 (hg19) VCF-style: chr15-69733140-GG-TT.
Other names: c.1771_1772delinsTT, p.Gly591Phe (NM_001281301.2); c.2101_2102delinsTT, p.Gly701Phe (NM_001367804.2, NM_138555.4); c.2067+314_2067+315delinsTT (NM_004856.7); short protein forms G715F, G591F, G701F.
Identifiers: ClinVar variation 2861784 (VCV002861784.3), dbSNP rs2505109483, ClinGen allele CA2739269522.